The following is an entry in ClinVar:

ClinVar aggregate classification (germline): Likely benign (1 of 4 stars; one submission).

Conditions:
Leigh syndrome (NULS). Also called: Leigh's necrotizing encephalopathy; Leigh's disease; Leigh Syndrome (mtDNA deletion); Leigh Disease; Subacute necrotizing encephalopathy; Necrotizing encephalopathy infantile subacute of Leigh. Identifiers: Orphanet 506, MedGen C2931891, MONDO:0009723, OMIM 256000.

Submission:

Wong Mito Lab, Molecular and Human Genetics, Baylor College of Medicine
Classification: Likely benign for Leigh syndrome. Last evaluated: 2019-10-17. Review status: criteria provided, single submitter. Criteria: Modified ACMG Guidelines (Unpublished). Collection method: clinical testing. Allele origin: germline.
Comment: The NC_012920.1:m.11946C>T (YP_003024035.1:p.Thr396Met) variant in MTND4 gene is interpretated to be a Likely Benign variant based on the modified ACMG guidelines (unpublished). This variant meets the following evidence codes: BS1, BP4

NC_012920.1(MT-ND4):m.11946C>T

Gene: MT-ND4 (mitochondrially encoded NADH dehydrogenase 4; plus strand).
Variant type: single nucleotide variant.
Genome position: chrM-11946-C-T.
Identifiers: ClinVar variation 693388 (VCV000693388.1), dbSNP rs1603223482, ClinGen allele CA414811801.